The following is an entry in ClinVar:

NM_021020.5(LZTS1):c.901C>T (p.Arg301Cys)

Gene: LZTS1 (leucine zipper tumor suppressor 1; minus strand). Cytogenetic location: 8p21.3.
Variant type: single nucleotide variant.
Coding change: c.901C>T on transcript NM_021020.5 (MANE Select); coding-DNA position 901, C replaced by T.
Protein change: p.Arg301Cys; replaces arginine 301 with cysteine.
Molecular consequence: missense variant.
Genome position (GRCh38, 1-based): chr8:20,253,030, G>A on the plus strand (C>T on the coding strand, the complement: LZTS1 is on the minus strand). VCF-style: chr8-20253030-G-A. GRCh37 (hg19) VCF-style: chr8-20110541-G-A.
Other names: c.901C>T, p.Arg301Cys (NM_001362884.2); short protein forms R301C.
Identifiers: ClinVar variation 2170932 (VCV002170932.4), dbSNP rs754615238, ClinGen allele CA173399427.
Genomic context (GRCh38, chr8:20,253,030, plus strand): 5'-AGGCCTGCTTGAGCTTGTTGCCGCCTTTGGGCTCCGGGCCCTCCAGCTCGTCCCTGCAGC[G>A]CCGCGGCCGCTCCTCGTAGGCCAGGCTGGAGGCAAGCTCCTTCTCCTCAAAGCTGCGCTG-3'
Protein context (NP_066300.1, residues 291-311): SSLAYEERPR[Arg301Cys]CRDELEGPEP

ClinVar aggregate classification (germline): Uncertain significance (1 of 4 stars; one submission).

Allele frequency attached by ClinVar (database versions not stated): gnomAD exomes 0.00001.
gnomAD v4.1: 12 of 1,601,998 alleles (0.00075%); highest among the groups gnomAD compares: South Asian, 0.0022%; no homozygotes.

Submission:

Labcorp Genetics (formerly Invitae), Labcorp
Classification: Uncertain significance. Last evaluated: 2024-12-17. Review status: criteria provided, single submitter. Criteria: Invitae Variant Classification Sherloc (09022015). Collection method: clinical testing. Allele origin: germline.
Comment: This sequence change replaces arginine, which is basic and polar, with cysteine, which is neutral and slightly polar, at codon 301 of the LZTS1 protein (p.Arg301Cys). The frequency data for this variant in the population databases is considered unreliable, as metrics indicate poor data quality at this position in the gnomAD database. This variant has not been reported in the literature in individuals affected with LZTS1-related conditions. ClinVar contains an entry for this variant (Variation ID: 2170932). Invitae Evidence Modeling of protein sequence and biophysical properties (such as structural, functional, and spatial information, amino acid conservation, physicochemical variation, residue mobility, and thermodynamic stability) indicates that this missense variant is not expected to disrupt LZTS1 protein function with a negative predictive value of 80%. In summary, the available evidence is currently insufficient to determine the role of this variant in disease. Therefore, it has been classified as a Variant of Uncertain Significance.